The following is an entry in ClinVar:

NM_024426.6(WT1):c.1538G>C (p.Arg513Thr)

Gene: WT1 (WT1 transcription factor; minus strand). Cytogenetic location: 11p13.
Variant type: single nucleotide variant.
Coding change: c.1538G>C on transcript NM_024426.6 (MANE Select); coding-DNA position 1538, G replaced by C.
Protein change: p.Arg513Thr; replaces arginine 513 with threonine.
Molecular consequence: missense variant. On other transcripts: non-coding transcript variant (1).
Genome position (GRCh38, 1-based): chr11:32,389,089, C>G on the plus strand (G>C on the coding strand, the complement: WT1 is on the minus strand). VCF-style: chr11-32389089-C-G. GRCh37 (hg19) VCF-style: chr11-32410635-C-G.
Other names: c.1478G>C, p.Arg493Thr (NM_000378.6); c.878G>C, p.Arg293Thr (NM_001198551.2); c.836G>C, p.Arg279Thr (NM_001198552.2); c.350G>C, p.Arg117Thr (NM_001367854.1); c.1523G>C, p.Arg508Thr (NM_001407044.1); c.1487G>C, p.Arg496Thr (NM_001407045.1); c.1445G>C, p.Arg482Thr (NM_001407046.1); c.1406G>C, p.Arg469Thr (NM_001407047.1); and 6 more; short protein forms R293T, R513T, R117T, R279T, R510T, R493T, R496T, R259T.
Identifiers: ClinVar variation 476691 (VCV000476691.10), dbSNP rs1363144688, ClinGen allele CA379957502.
Genomic context (GRCh38, chr11:32,389,089, plus strand): 5'-GACACTGAACGGTCCCCGAGGGAGACCCCTCAAAGCGCCAGCTGGAGTTTGGTCATGTTT[C>G]TCTGATGCATGTTGTGATGGCGGACTAATTCATCTGACCGGGCAAACTTTTTCTGACAAC-3'
Protein context (NP_077744.4, residues 503-522): ELVRHHNMHQ[Arg513Thr]NMTKLQLAL

ClinVar aggregate classification (germline): Uncertain significance (1 of 4 stars; one submission).

Conditions:
Wilms tumor 1 (WT1). Also called: Wilms tumor, somatic. Identifiers: Orphanet 654, MedGen CN033288, MONDO:0008679, OMIM 194070.
Drash syndrome (DDS). Also called: NEPHROPATHY, WILMS TUMOR, AND GENITAL ANOMALIES; WILMS TUMOR AND PSEUDO- OR TRUE HERMAPHRODITISM. Identifiers: Orphanet 220, MedGen C0950121, MONDO:0008682, OMIM 194080.
11p partial monosomy syndrome (WAGR). Also called: WAGR Spectrum Disorder; CHROMOSOME 11p13 DELETION SYNDROME; WAGR syndrome; WAGR Complex. Identifiers: Orphanet 893, MedGen C0206115, MONDO:0008681, OMIM 194072.
Frasier syndrome. Identifiers: Orphanet 347, MedGen C0950122, MeSH D052159, MONDO:0007635, OMIM 136680.

Submission:

Labcorp Genetics (formerly Invitae), Labcorp
Classification: Uncertain significance for Wilms tumor 1; Drash syndrome; 11p partial monosomy syndrome; Frasier syndrome. Last evaluated: 2017-02-28. Review status: criteria provided, single submitter. Criteria: Invitae Variant Classification Sherloc (09022015). Collection method: clinical testing. Allele origin: germline.
Comment: In summary, this variant is a novel missense change with uncertain impact on protein function. It has been classified as a Variant of Uncertain Significance. Algorithms developed to predict the effect of missense changes on protein structure and function (SIFT, PolyPhen-2, Align-GVGD) all suggest that this variant is likely to be disruptive, but these predictions have not been confirmed by published functional studies. This variant is not present in population databases (ExAC no frequency) and has not been reported in the literature in individuals with a WT1-related disease. This sequence change replaces arginine with threonine at codon 508 of the WT1 protein (p.Arg508Thr). The arginine residue is highly conserved and there is a moderate physicochemical difference between arginine and threonine.